The following is an entry in ClinVar:

NM_006767.4(LZTR1):c.1616G>C (p.Gly539Ala)

Gene: LZTR1 (leucine zipper like post translational regulator 1; plus strand). Cytogenetic location: 22q11.21.
Variant type: single nucleotide variant.
Coding change: c.1616G>C on transcript NM_006767.4 (MANE Select); coding-DNA position 1616, G replaced by C.
Protein change: p.Gly539Ala; replaces glycine 539 with alanine.
Molecular consequence: missense variant.
Genome position (GRCh38, 1-based): chr22:20,994,558, G>C. VCF-style: chr22-20994558-G-C. GRCh37 (hg19) VCF-style: chr22-21348847-G-C.
Other names: short protein forms G539A.
Identifiers: ClinVar variation 3688785 (VCV003688785.2).
Genomic context (GRCh38, chr22:20,994,558, plus strand): 5'-CGCCCTGTGCCCTGCCCTCCCCTCTCCGGCTCCCTGAGATTCGGGGGCTCTGGGGCGCAG[G>C]CCATGTGGAGGATGTGCTGCTCATCATGGATGTGTACAAACTGGCACTGAGCTTCCAGTT-3'
Protein context (NP_006758.2, residues 529-549): YTDKIKYPRK[Gly539Ala]HVEDVLLIMD

ClinVar aggregate classification (germline): Uncertain significance (1 of 4 stars; one submission).

gnomAD v4.1: 1 of 1,608,924 alleles (0.000062%); highest among the groups gnomAD compares: East Asian, 0.0022%; no homozygotes.

Submission:

Labcorp Genetics (formerly Invitae), Labcorp
Classification: Uncertain significance. Last evaluated: 2024-09-12. Review status: criteria provided, single submitter. Criteria: Invitae Variant Classification Sherloc (09022015). Collection method: clinical testing. Allele origin: germline.
Comment: This sequence change replaces glycine, which is neutral and non-polar, with alanine, which is neutral and non-polar, at codon 539 of the LZTR1 protein (p.Gly539Ala). This variant is not present in population databases (gnomAD no frequency). This variant has not been reported in the literature in individuals affected with LZTR1-related conditions. An algorithm developed to predict the effect of missense changes on protein structure and function (PolyPhen-2) suggests that this variant is likely to be tolerated. Algorithms developed to predict the effect of sequence changes on RNA splicing suggest that this variant may disrupt the consensus splice site. In summary, the available evidence is currently insufficient to determine the role of this variant in disease. Therefore, it has been classified as a Variant of Uncertain Significance.